The following is an entry in ClinVar:

ClinVar aggregate classification (germline): Likely pathogenic (1 of 4 stars; one submission).

Conditions:
Early-infantile DEE. Also called: Ohtahara syndrome; Early infantile epileptic encephalopathy with suppression bursts; Early infantile epileptic encephalopathy. Identifiers: Orphanet 1934, MedGen C0393706, MONDO:0800491.

Submission:

Labcorp Genetics (formerly Invitae), Labcorp
Classification: Likely pathogenic for Early-infantile DEE. Last evaluated: 2022-11-29. Review status: criteria provided, single submitter. Criteria: Invitae Variant Classification Sherloc (09022015). Collection method: clinical testing. Allele origin: germline.
Comment: In summary, the currently available evidence indicates that the variant is pathogenic, but additional data are needed to prove that conclusively. Therefore, this variant has been classified as Likely Pathogenic. This variant disrupts the p.Tyr1694 amino acid residue in SCN1A. Other variant(s) that disrupt this residue have been determined to be pathogenic (PMID: 14738421, 19586930, 28202706; Invitae). This suggests that this residue is clinically significant, and that variants that disrupt this residue are likely to be disease-causing. Advanced modeling of protein sequence and biophysical properties (such as structural, functional, and spatial information, amino acid conservation, physicochemical variation, residue mobility, and thermodynamic stability) performed at Invitae indicates that this missense variant is expected to disrupt SCN1A protein function. ClinVar contains an entry for this variant (Variation ID: 1057139). This variant has not been reported in the literature in individuals affected with SCN1A-related conditions. This variant is not present in population databases (gnomAD no frequency). This sequence change replaces tyrosine, which is neutral and polar, with aspartic acid, which is acidic and polar, at codon 1694 of the SCN1A protein (p.Tyr1694Asp).

Literature cited by the submitters: PubMed 14738421; PubMed 19586930; PubMed 28202706.

NM_001165963.4(SCN1A):c.5080T>G (p.Tyr1694Asp)

Genes: SCN1A (sodium voltage-gated channel alpha subunit 1; minus strand), LOC102724058 (uncharacterized LOC102724058; plus strand). Cytogenetic location: 2q24.3.
Variant type: single nucleotide variant.
Coding change: c.5080T>G on transcript NM_001165963.4 (MANE Select); coding-DNA position 5080, T replaced by G.
Protein change: p.Tyr1694Asp; replaces tyrosine 1694 with aspartic acid.
Molecular consequence: missense variant. On other transcripts: non-coding transcript variant (1).
Genome position (GRCh38, 1-based): chr2:165,992,195, A>C on the plus strand (T>G on the coding strand, the complement: SCN1A is on the minus strand). VCF-style: chr2-165992195-A-C. GRCh37 (hg19) VCF-style: chr2-166848705-A-C.
Other names: c.4996T>G, p.Tyr1666Asp (NM_001165964.3, NM_001353957.2, NM_001353958.2); c.5080T>G, p.Tyr1694Asp (NM_001202435.3, NM_001353948.2); c.5047T>G, p.Tyr1683Asp (NM_001353949.2, NM_001353950.2, NM_001353951.2 and 2 more transcripts); c.5044T>G, p.Tyr1682Asp (NM_001353954.2, NM_001353955.2); c.4993T>G, p.Tyr1665Asp (NM_001353960.2); c.2638T>G, p.Tyr880Asp (NM_001353961.2); short protein forms Y1665D, Y1666D, Y1682D, Y1683D, Y1694D, Y880D.
Identifiers: ClinVar variation 1057139 (VCV001057139.11), dbSNP rs2105432780, ClinGen allele CA349069335.